The following is an entry in ClinVar:

NM_006231.4(POLE):c.3459+5G>A

Gene: POLE (DNA polymerase epsilon, catalytic subunit; minus strand). Cytogenetic location: 12q24.33.
Variant type: single nucleotide variant.
Coding change: c.3459+5G>A on transcript NM_006231.4 (MANE Select); 5 bases into the intron after coding-DNA position 3459, G replaced by A.
Molecular consequence: intron variant.
Genome position (GRCh38, 1-based): chr12:132,657,344, C>T on the plus strand (G>A on the coding strand, the complement: POLE is on the minus strand). VCF-style: chr12-132657344-C-T. GRCh37 (hg19) VCF-style: chr12-133233930-C-T.
Identifiers: ClinVar variation 2029371 (VCV002029371.4), dbSNP rs2138658955, ClinGen allele CA2580086010.

ClinVar aggregate classification (germline): Uncertain significance (1 of 4 stars; one submission).

Submission:

Labcorp Genetics (formerly Invitae), Labcorp
Classification: Uncertain significance. Last evaluated: 2022-09-07. Review status: criteria provided, single submitter. Criteria: Invitae Variant Classification Sherloc (09022015). Collection method: clinical testing. Allele origin: germline.
Comment: In summary, the available evidence is currently insufficient to determine the role of this variant in disease. Therefore, it has been classified as a Variant of Uncertain Significance. Variants that disrupt the consensus splice site are a relatively common cause of aberrant splicing (PMID: 17576681, 9536098). Algorithms developed to predict the effect of sequence changes on RNA splicing suggest that this variant is not likely to affect RNA splicing. This variant has not been reported in the literature in individuals affected with POLE-related conditions. This variant is not present in population databases (gnomAD no frequency). This sequence change falls in intron 28 of the POLE gene. It does not directly change the encoded amino acid sequence of the POLE protein. It affects a nucleotide within the consensus splice site.

Literature cited by the submitters: PubMed 17576681; PubMed 9536098.